The following is an entry in ClinVar:

ClinVar aggregate classification (germline): Uncertain significance (1 of 4 stars; one submission).

Conditions:
Predisposition to invasive fungal disease due to CARD9 deficiency (IMD103). Also called: IMMUNODEFICIENCY 103, SUSCEPTIBILITY TO FUNGAL INFECTIONS; Candidiasis, familial, 2, autosomal recessive; CARD9 IMMUNODEFICIENCY. Identifiers: Orphanet 457088, MedGen C1859353, MONDO:0008905, OMIM 212050.

Allele frequency attached by ClinVar (database versions not stated): gnomAD exomes 0.00001; TOPMed 0.00001.
gnomAD v4.1: 10 of 1,611,826 alleles (0.00062%); highest among the groups gnomAD compares: Middle Eastern, 0.12%; no homozygotes.

Submission:

Labcorp Genetics (formerly Invitae), Labcorp
Classification: Uncertain significance for Predisposition to invasive fungal disease due to CARD9 deficiency. Last evaluated: 2022-06-04. Review status: criteria provided, single submitter. Criteria: Invitae Variant Classification Sherloc (09022015). Collection method: clinical testing. Allele origin: germline.
Comment: In summary, the available evidence is currently insufficient to determine the role of this variant in disease. Therefore, it has been classified as a Variant of Uncertain Significance. Algorithms developed to predict the effect of missense changes on protein structure and function output the following: SIFT: "Tolerated"; PolyPhen-2: "Benign"; Align-GVGD: "Class C0". The glutamine amino acid residue is found in multiple mammalian species, which suggests that this missense change does not adversely affect protein function. ClinVar contains an entry for this variant (Variation ID: 945012). This variant has not been reported in the literature in individuals affected with CARD9-related conditions. This variant is not present in population databases (gnomAD no frequency). This sequence change replaces histidine, which is basic and polar, with glutamine, which is neutral and polar, at codon 469 of the CARD9 protein (p.His469Gln).

NM_052813.5(CARD9):c.1407C>A (p.His469Gln)

Gene: CARD9 (caspase recruitment domain family member 9; minus strand). Cytogenetic location: 9q34.3.
Variant type: single nucleotide variant.
Coding change: c.1407C>A on transcript NM_052813.5 (MANE Select); coding-DNA position 1407, C replaced by A.
Protein change: p.His469Gln; replaces histidine 469 with glutamine.
Molecular consequence: missense variant.
Genome position (GRCh38, 1-based): chr9:136,365,168, G>T on the plus strand (C>A on the coding strand, the complement: CARD9 is on the minus strand). VCF-style: chr9-136365168-G-T. GRCh37 (hg19) VCF-style: chr9-139259620-G-T.
Other names: c.1407C>A, p.His469Gln (NM_052814.4); short protein forms H469Q.
Identifiers: ClinVar variation 945012 (VCV000945012.6), dbSNP rs1588719803, ClinGen allele CA375541827.